The following is an entry in ClinVar:

ClinVar aggregate classification (germline): Likely benign. Review status: criteria provided, multiple submitters, no conflicts (2 of 4 stars). 4 submissions from 4 submitters: Likely benign (4). Last evaluated 2025-11-03.

Allele frequency attached by ClinVar (database versions not stated): gnomAD 0.00001 and 0.00006; TOPMed 0.00003; ExAC 0.00009; gnomAD exomes 0.00010 and 0.00011.
gnomAD v4.1: 153 of 1,614,178 alleles (0.0095%); highest among the groups gnomAD compares: Middle Eastern, 0.33%; 2 homozygotes.

Submissions (4):

Labcorp Genetics (formerly Invitae), Labcorp
Classification: Likely benign. Last evaluated: 2025-11-03. Review status: criteria provided, single submitter. Criteria: Invitae Variant Classification Sherloc (09022015). Collection method: clinical testing. Allele origin: germline.

Mayo Clinic Laboratories, Mayo Clinic
Classification: Likely benign. Last evaluated: 2025-10-24. Review status: criteria provided, single submitter. Criteria: ACMG Guidelines, 2015. Collection method: clinical testing. Allele origin: germline. Observed: 1 variant allele.
Comment: BP4, BP7

Blueprint Genetics
Classification: Likely benign. Last evaluated: 2024-09-23. Review status: criteria provided, single submitter. Criteria: ACMG Guidelines, 2015. Collection method: clinical testing. Allele origin: germline.

Breakthrough Genomics
Classification: Likely benign. Review status: criteria provided, single submitter. Criteria: ACMG Guidelines, 2015. Collection method: not provided. Allele origin: germline. Inheritance: Unknown mechanism. Affected: yes.

NM_017999.5(RNF31):c.556-5T>C

Gene: RNF31 (ring finger protein 31; plus strand). Cytogenetic location: 14q12.
Variant type: single nucleotide variant.
Coding change: c.556-5T>C on transcript NM_017999.5 (MANE Select); 5 bases into the intron before coding-DNA position 556, T replaced by C.
Molecular consequence: intron variant.
Genome position (GRCh38, 1-based): chr14:24,148,796, T>C. VCF-style: chr14-24148796-T-C. GRCh37 (hg19) VCF-style: chr14-24618005-T-C.
Other names: p.?; c.103-5T>C (NM_001310332.2).
Identifiers: ClinVar variation 1453465 (VCV001453465.11), dbSNP rs369056177, ClinGen allele CA7125553.
Genomic context (GRCh38, chr14:24,148,796, plus strand): 5'-GAAACAGGAATTGTGAGACTCTGTGTCCCTAAACCCTTATTCATTCCCTGCCCTTTCTTT[T>C]TCAGATGCTGCAGCTTTCAGAATTTGACCCCCTATTGAGAGAGATTGCTCCTGGCCCCCT-3'